The following is an entry in ClinVar:

ClinVar aggregate classification (germline): Uncertain significance. Review status: criteria provided, single submitter (1 of 4 stars). 2 submissions from 2 submitters: Uncertain significance (1). 1 of the submissions does not count toward it. Last evaluated 2022-07-05.

Conditions:
Lysinuric protein intolerance (LPI). Identifiers: Orphanet 470, MedGen C0268647, MONDO:0009109, OMIM 222700.

Submissions (2):

Labcorp Genetics (formerly Invitae), Labcorp
Classification: Uncertain significance for Lysinuric protein intolerance. Last evaluated: 2022-07-05. Review status: criteria provided, single submitter. Criteria: Invitae Variant Classification Sherloc (09022015). Collection method: clinical testing. Allele origin: germline.
Comment: This sequence change replaces leucine, which is neutral and non-polar, with arginine, which is basic and polar, at codon 403 of the SLC7A7 protein (p.Leu403Arg). This variant is not present in population databases (gnomAD no frequency). This variant has not been reported in the literature in individuals affected with SLC7A7-related conditions. Algorithms developed to predict the effect of missense changes on protein structure and function are either unavailable or do not agree on the potential impact of this missense change (SIFT: "Deleterious"; PolyPhen-2: "Probably Damaging"; Align-GVGD: "Class C15"). In summary, the available evidence is currently insufficient to determine the role of this variant in disease. Therefore, it has been classified as a Variant of Uncertain Significance.

Natera, Inc.
Classification: Uncertain significance for Lysinuric protein intolerance. Last evaluated: 2025-04-25. Review status: no assertion criteria provided. Collection method: clinical testing. Allele origin: germline. Not counted in ClinVar's aggregate classification.

NM_003982.4(SLC7A7):c.1208T>G (p.Leu403Arg)

Gene: SLC7A7 (solute carrier family 7 member 7; minus strand). Cytogenetic location: 14q11.2.
Variant type: single nucleotide variant.
Coding change: c.1208T>G on transcript NM_003982.4 (MANE Select); coding-DNA position 1208, T replaced by G.
Protein change: p.Leu403Arg; replaces leucine 403 with arginine.
Molecular consequence: missense variant.
Genome position (GRCh38, 1-based): chr14:22,774,391, A>C on the plus strand (T>G on the coding strand, the complement: SLC7A7 is on the minus strand). VCF-style: chr14-22774391-A-C. GRCh37 (hg19) VCF-style: chr14-23243600-A-C.
Other names: c.1208T>G, p.Leu403Arg (NM_001126105.3, NM_001126106.4); short protein forms L403R.
Identifiers: ClinVar variation 2155163 (VCV002155163.2), dbSNP rs1223369796, ClinGen allele CA388921700.
Genomic context (GRCh38, chr14:22,774,391, plus strand): 5'-GAGGTAGGATGGAGTTGCCTTACCTTGAGGGGACGAGGTCGATCAGGCTCCTTCCAGCGC[A>C]GATAAAGCTGACCCACAATAGAAAGCCCCACAAAGAACCAGTAGCTGAAGCTGTAGTAGT-3'
Protein context (NP_003973.3, residues 393-413): VGLSIVGQLY[Leu403Arg]RWKEPDRPRP